The following is an entry in ClinVar:

ClinVar aggregate classification (germline): Uncertain significance (1 of 4 stars; one submission).

Conditions:
Primary ciliary dyskinesia. Also called: Ciliary dyskinesia. Identifiers: Orphanet 244, MedGen C0008780, MONDO:0016575, HP:0012265.

gnomAD v4.1: 3 of 1,614,082 alleles (0.00019%); highest among the groups gnomAD compares: Admixed American, 0.0017%; no homozygotes.

Submission:

Labcorp Genetics (formerly Invitae), Labcorp
Classification: Uncertain significance for Primary ciliary dyskinesia. Last evaluated: 2025-12-03. Review status: criteria provided, single submitter. Criteria: Invitae Variant Classification Sherloc (09022015). Collection method: clinical testing. Allele origin: germline.
Comment: This sequence change replaces alanine, which is neutral and non-polar, with threonine, which is neutral and polar, at codon 4203 of the DNAH5 protein (p.Ala4203Thr). This variant is not present in population databases (gnomAD no frequency). This variant has not been reported in the literature in individuals affected with DNAH5-related conditions. Invitae Evidence Modeling of protein sequence and biophysical properties (such as structural, functional, and spatial information, amino acid conservation, physicochemical variation, residue mobility, and thermodynamic stability) indicates that this missense variant is not expected to disrupt DNAH5 protein function with a negative predictive value of 95%. In summary, the available evidence is currently insufficient to determine the role of this variant in disease. Therefore, it has been classified as a Variant of Uncertain Significance.

NM_001369.3(DNAH5):c.12607G>A (p.Ala4203Thr)

Gene: DNAH5 (dynein axonemal heavy chain 5; minus strand). Cytogenetic location: 5p15.2.
Variant type: single nucleotide variant.
Coding change: c.12607G>A on transcript NM_001369.3 (MANE Select); coding-DNA position 12607, G replaced by A.
Protein change: p.Ala4203Thr; replaces alanine 4203 with threonine.
Molecular consequence: missense variant.
Genome position (GRCh38, 1-based): chr5:13,717,413, C>T on the plus strand (G>A on the coding strand, the complement: DNAH5 is on the minus strand). VCF-style: chr5-13717413-C-T. GRCh37 (hg19) VCF-style: chr5-13717522-C-T.
Other names: short protein forms A4203T.
Identifiers: ClinVar variation 4752831 (VCV004752831.1).
Genomic context (GRCh38, chr5:13,717,413, plus strand): 5'-ACTGCACAGTGGCATTAAAGTCCGCTTGGTTAAATTCGTAGGGGATATTCCACCCCAGGG[C>T]ACCGAACTTGCGCCTCTCCTGGACAGTGGAGTGCAGGAAAGCCACTGCGTACAGCATGGG-3'
Protein context (NP_001360.1, residues 4193-4213): STVQERRKFG[Ala4203Thr]LGWNIPYEFN